The following is an entry in ClinVar:

NM_144997.7(FLCN):c.1035C>T (p.Val345=)

Gene: FLCN (folliculin; minus strand). Cytogenetic location: 17p11.2.
Variant type: single nucleotide variant.
Coding change: c.1035C>T on transcript NM_144997.7 (MANE Select); coding-DNA position 1035, C replaced by T.
Protein change: p.Val345=; no amino-acid change (valine 345 retained).
Molecular consequence: synonymous variant.
Genome position (GRCh38, 1-based): chr17:17,219,046, G>A on the plus strand (C>T on the coding strand, the complement: FLCN is on the minus strand). VCF-style: chr17-17219046-G-A. GRCh37 (hg19) VCF-style: chr17-17122360-G-A.
Other names: c.1089C>T, p.Val363= (NM_001353229.2); c.1035C>T, p.Val345= (NM_001353230.2, NM_001353231.2).
Identifiers: ClinVar variation 1772308 (VCV001772308.5), dbSNP rs755850825, ClinGen allele CA498163509.
Genomic context (GRCh38, chr17:17,219,046, plus strand): 5'-GAGCTCCTGATGCGCTGTGCCCCTGCCGCCTACCTGCCTCATGTGCCGGAGGGACTTGAA[G>A]ACTGGCAGCTTCCGGGGCTGCCAGCTCCCACAGCCTGAGAGAGAGGAGGACTCTGCCGGG-3'
Protein context (NP_659434.2, residues 335-355): CGSWQPRKLP[Val345=]FKSLRHMRQV

ClinVar aggregate classification (germline): Benign/Likely benign. Review status: criteria provided, multiple submitters, no conflicts (2 of 4 stars). 3 submissions from 3 submitters: Benign (1); Likely benign (2). Last evaluated 2024-10-23.

Conditions:
Birt-Hogg-Dube syndrome 1 (BHD1). Also called: FIBROFOLLICULOMAS WITH TRICHODISCOMAS AND ACROCHORDONS. Identifiers: Orphanet 122, MedGen CN375946, MONDO:0800445, OMIM 135150.
Birt-Hogg-Dube syndrome. Also called: Birt Hogg Dubé syndrome. Identifiers: Orphanet 122, MedGen C0346010, MONDO:0800444.
Hereditary cancer-predisposing syndrome. Also called: Tumor predisposition; Neoplastic Syndromes, Hereditary; Hereditary Cancer Syndrome; Hereditary neoplastic syndrome. Identifiers: Orphanet 140162, MedGen C0027672, MeSH D009386, MONDO:0015356.

Submissions (3):

Myriad Genetics, Inc.
Classification: Benign for Birt-Hogg-Dube syndrome 1. Last evaluated: 2024-10-23. Review status: criteria provided, single submitter. Criteria: Myriad Autosomal Dominant, Autosomal Recessive and X-Linked Classification Criteria (2023). Collection method: clinical testing. Allele origin: unknown.
Comment: This variant is considered benign. This variant is a silent/synonymous amino acid change and it is not expected to impact splicing.

Labcorp Genetics (formerly Invitae), Labcorp
Classification: Likely benign for Birt-Hogg-Dube syndrome. Last evaluated: 2024-05-01. Review status: criteria provided, single submitter. Criteria: Invitae Variant Classification Sherloc (09022015). Collection method: clinical testing. Allele origin: germline.

Ambry Genetics
Classification: Likely benign for Hereditary cancer-predisposing syndrome. Last evaluated: 2019-05-25. Review status: criteria provided, single submitter. Criteria: Ambry Variant Classification Scheme 2023. Collection method: clinical testing. Allele origin: germline.